The following is an entry in ClinVar:

NM_012338.4(TSPAN12):c.875T>A (p.Met292Lys)

Gene: TSPAN12 (tetraspanin 12; minus strand). Cytogenetic location: 7q31.31.
Variant type: single nucleotide variant.
Coding change: c.875T>A on transcript NM_012338.4 (MANE Select); coding-DNA position 875, T replaced by A.
Protein change: p.Met292Lys; replaces methionine 292 with lysine.
Molecular consequence: missense variant.
Genome position (GRCh38, 1-based): chr7:120,788,635, A>T on the plus strand (T>A on the coding strand, the complement: TSPAN12 is on the minus strand). VCF-style: chr7-120788635-A-T. GRCh37 (hg19) VCF-style: chr7-120428689-A-T.
Other names: short protein forms M292K.
Identifiers: ClinVar variation 1003287 (VCV001003287.8), dbSNP rs372498612, ClinGen allele CA4453787.

ClinVar aggregate classification (germline): Uncertain significance (1 of 4 stars; one submission).

gnomAD v4.1: 1 of 1,614,140 alleles (0.000062%); highest among the groups gnomAD compares: East Asian, 0.0022%; no homozygotes.

Submission:

Labcorp Genetics (formerly Invitae), Labcorp
Classification: Uncertain significance. Last evaluated: 2020-05-20. Review status: criteria provided, single submitter. Criteria: Invitae Variant Classification Sherloc (09022015). Collection method: clinical testing. Allele origin: germline.
Comment: This variant is present in population databases (rs372498612, ExAC 0.01%). In summary, the available evidence is currently insufficient to determine the role of this variant in disease. Therefore, it has been classified as a Variant of Uncertain Significance. Algorithms developed to predict the effect of missense changes on protein structure and function (SIFT, PolyPhen-2, Align-GVGD) all suggest that this variant is likely to be tolerated, but these predictions have not been confirmed by published functional studies and their clinical significance is uncertain. This variant has not been reported in the literature in individuals with TSPAN12-related conditions. This sequence change replaces methionine with lysine at codon 292 of the TSPAN12 protein (p.Met292Lys). The methionine residue is highly conserved and there is a moderate physicochemical difference between methionine and lysine.